The following is an entry in ClinVar:

NM_001388492.1(HTT):c.3779C>T (p.Thr1260Met)

Gene: HTT (huntingtin; plus strand). Cytogenetic location: 4p16.3.
Variant type: single nucleotide variant.
Coding change: c.3779C>T on transcript NM_001388492.1 (MANE Select); coding-DNA position 3779, C replaced by T.
Protein change: p.Thr1260Met; replaces threonine 1260 with methionine.
Molecular consequence: missense variant.
Genome position (GRCh38, 1-based): chr4:3,160,307, C>T. VCF-style: chr4-3160307-C-T. GRCh37 (hg19) VCF-style: chr4-3162034-C-T.
Other names: HTT, THR1260MET (rs34315806); T1260M; c.3785C>T, p.Thr1262Met (NM_002111.8); c.3785C>T (NM_002111.7); short protein forms T1262M.
Identifiers: ClinVar variation 417743 (VCV000417743.15), dbSNP rs34315806, ClinGen allele CA2824227.
Genomic context (GRCh38, chr4:3,160,307, plus strand): 5'-CAGTAACCGTGTGTTCTCTCCTTCACCTTCCCAAGGTCACGCTGGATCTTCAGAACAGCA[C>T]GGAAAAGTTTGGAGGGTTTCTCCGCTCAGCCTTGGATGTTCTTTCTCAGATACTAGAGCT-3'
Protein context (NP_001375421.1, residues 1250-1270): YKVTLDLQNS[Thr1260Met]EKFGGFLRSA

ClinVar aggregate classification (germline): Benign. Review status: criteria provided, multiple submitters, no conflicts (2 of 4 stars). 6 submissions from 6 submitters: Benign (4). 2 of the submissions do not count toward it. Last evaluated 2026-01-05.

Conditions:
Lopes-Maciel-Rodan syndrome (LOMARS). Identifiers: MedGen C4479491, MONDO:0054573, OMIM 617435.

Allele frequency attached by ClinVar (database versions not stated): gnomAD exomes 0.00265 and 0.00559; ExAC 0.00985; ESP Exome Variant Server 0.02105; gnomAD 0.02257 and 0.02416; TOPMed 0.02639; 1000 Genomes Project 30x 0.02717; 1000 Genomes Project 0.02756.
gnomAD v4.1: 7,334 of 1,552,390 alleles (0.47%); highest among the groups gnomAD compares: African/African-American, 8%; 249 homozygotes.

Submissions (6):

Labcorp Genetics (formerly Invitae), Labcorp
Classification: Benign. Last evaluated: 2026-01-05. Review status: criteria provided, single submitter. Criteria: Invitae Variant Classification Sherloc (09022015). Collection method: clinical testing. Allele origin: germline.

H3Africa Consortium
Classification: Benign. Last evaluated: 2020-10-28. Review status: criteria provided, single submitter. Criteria: Choudhury A et al. (Nature 2020). Collection method: research. Allele origin: germline. Study: H3Africa.
Comment: While the frequency of the alternate allele in gnoMAD v2.0.2 is 0.083, its frequency in African populations is >5%. This suggests that previous classifications of this variant as pathogenic are in error.

GeneDx
Classification: Benign. Last evaluated: 2019-04-03. Review status: criteria provided, single submitter. Criteria: GeneDx Variant Classification Process June 2021. Collection method: clinical testing. Allele origin: germline. Affected: yes.
Comment: This variant is associated with the following publications: (PMID: 26740508)

Breakthrough Genomics
Classification: Benign. Review status: criteria provided, single submitter. Criteria: ACMG Guidelines, 2015. Collection method: not provided. Allele origin: germline. Inheritance: Autosomal recessive inheritance. Affected: yes.

Reproductive Health Research and Development, BGI Genomics
Classification: Benign for Lopes-Maciel-Rodan syndrome. Last evaluated: 2020-01-06. Review status: no assertion criteria provided. Collection method: curation. Allele origin: germline. Not counted in ClinVar's aggregate classification.
Comment: NM_002111.6:c.3785C>T (p.Thr1262Met) was reported as T1260M in the literature. This variant has an allele frequency of 0.079 in African subpopulation in the gnomAD database, including 62 homozygous. Lopes et al. reported a patient with Rett syndrome-like phenotypes. WES revealed two compound heterozygous variants in the HTT gene: a maternal c.C2108T, p.(P703L) and a paternal c.C3779T, p.(T1260M). However, the author indictated the latter varaint T1260M as a polymorphism (PMID: 26740508). This evidence suggests the variant to be classified as benign. ACMG/AMP criteria applied: BA1, BS2, BS2.

OMIM
Classification: Pathogenic for LOPES-MACIEL-RODAN SYNDROME. Last evaluated: 2017-04-15. Review status: no assertion criteria provided. Collection method: literature only. Allele origin: germline. Not counted in ClinVar's aggregate classification.

Literature cited by the submitters: PubMed 26740508 (cited by OMIM).